The following is an entry in ClinVar:

ClinVar aggregate classification (germline): Uncertain significance (1 of 4 stars; one submission).

Conditions:
Combined oxidative phosphorylation defect type 24. Also called: Combined oxidative phosphorylation deficiency 24. Identifiers: Orphanet 444458, MedGen C4015643, MONDO:0014547, OMIM 616239.

Allele frequency attached by ClinVar (database versions not stated): gnomAD exomes below 0.00001 and 0.00002; ExAC 0.00001.
gnomAD v4.1: 6 of 1,614,252 alleles (0.00037%); highest among the groups gnomAD compares: South Asian, 0.0066%; no homozygotes.

Submission:

Baylor Genetics
Classification: Uncertain significance for Combined oxidative phosphorylation defect type 24. Last evaluated: 2018-12-06. Review status: criteria provided, single submitter. Criteria: ACMG Guidelines, 2015. Collection method: clinical testing. Allele origin: maternal. Affected: yes.
Comment: This variant was determined to be of uncertain significance according to ACMG Guidelines, 2015 [PMID:25741868].

NM_024678.6(NARS2):c.141+5G>C

Genes: NARS2 (asparaginyl-tRNA synthetase 2, mitochondrial; minus strand), LOC130006508 (ATAC-STARR-seq lymphoblastoid active region 5327; plus strand). Cytogenetic location: 11q14.1.
Variant type: single nucleotide variant.
Coding change: c.141+5G>C on transcript NM_024678.6 (MANE Select); 5 bases into the intron after coding-DNA position 141, G replaced by C.
Molecular consequence: intron variant.
Genome position (GRCh38, 1-based): chr11:78,574,343, C>G on the plus strand (G>C on the coding strand, the complement: NARS2 is on the minus strand). VCF-style: chr11-78574343-C-G. GRCh37 (hg19) VCF-style: chr11-78285388-C-G.
Other names: c.-541+486G>C (NM_001243251.2).
Identifiers: ClinVar variation 1033638 (VCV001033638.1), dbSNP rs766606763, ClinGen allele CA6205963.
Genomic context (GRCh38, chr11:78,574,343, plus strand): 5'-TAGATGTGGATGTGCCATATAAAAGTCCCTACAAGAAAAAACCCACTCCCTTCCCATTCA[C>G]CAACCTGGATCTTAATGCGCTCCCCACTCGCGTTCTGAGCCCCGAGAGCGTCCCGCACGC-3'